The following is an entry in ClinVar:

ClinVar aggregate classification (germline): Uncertain significance (1 of 4 stars; one submission).

Submission:

Labcorp Genetics (formerly Invitae), Labcorp
Classification: Uncertain significance. Last evaluated: 2024-04-15. Review status: criteria provided, single submitter. Criteria: Invitae Variant Classification Sherloc (09022015). Collection method: clinical testing. Allele origin: germline.
Comment: This sequence change creates a premature translational stop signal (p.Leu642Phefs*71) in the MAGEL2 gene. While this is not anticipated to result in nonsense mediated decay, it is expected to disrupt the last 608 amino acid(s) of the MAGEL2 protein. This variant is not present in population databases (gnomAD no frequency). This variant has not been reported in the literature in individuals affected with MAGEL2-related conditions. Experimental studies and prediction algorithms are not available or were not evaluated, and the functional significance of this variant is currently unknown. In summary, the available evidence is currently insufficient to determine the role of this variant in disease. Therefore, it has been classified as a Variant of Uncertain Significance.

NM_019066.5(MAGEL2):c.1925dup (p.Leu642fs)

Gene: MAGEL2 (MAGE family member L2; minus strand). Cytogenetic location: 15q11.2.
Variant type: Duplication.
Coding change: c.1925dup on transcript NM_019066.5 (MANE Select); coding-DNA position 1925, one base duplicated (T; older notation c.1925dupT).
Protein change: p.Leu642fs; shifts the reading frame from leucine 642.
Molecular consequence: frameshift variant.
Genome position (GRCh38, 1-based): chr15:23,645,818, A duplicated on the plus strand (T on the coding strand, the reverse complement: MAGEL2 is on the minus strand); the first of 2 consecutive A bases (chr15:23,645,818-23,645,819); duplicating either gives the same sequence. VCF-style (leftmost placement, unchanged base first): chr15-23645817-C-CA. GRCh37 (hg19) VCF-style: chr15-23890964-C-CA.
Other names: short protein forms L642fs.
Identifiers: ClinVar variation 2719994 (VCV002719994.3), dbSNP rs2503978996, ClinGen allele CA2697554340.
Genomic context (GRCh38, chr15:23,645,817, plus strand): 5'-CTGGATTTGCACGGCTTTTTGGGAGGGCGGGGCTCCCTGAAAGGGCTGCTCCAGCTGGAC[C>CA]AAGGGGGGAGCCTGCCTCTGGGCCTCCTGGGCAGGCAGGGGCTGCCAGATGTGAGTGGGG-3'